The following is an entry in ClinVar:

ClinVar aggregate classification (germline): Uncertain significance (1 of 4 stars; one submission).

Submission:

Ambry Genetics
Classification: Uncertain significance. Last evaluated: 2023-05-31. Review status: criteria provided, single submitter. Criteria: Ambry Variant Classification Scheme 2023. Collection method: clinical testing. Allele origin: germline.
Comment: The p.A2121S variant (also known as c.6361G>T), located in coding exon 20 of the POLQ gene, results from a G to T substitution at nucleotide position 6361. The alanine at codon 2121 is replaced by serine, an amino acid with similar properties. This amino acid position is conserved. In addition, this alteration is predicted to be tolerated by in silico analysis. Since supporting evidence is limited at this time, the clinical significance of this alteration remains unclear.

NM_199420.4(POLQ):c.6361G>T (p.Ala2121Ser)

Gene: POLQ (DNA polymerase theta; minus strand). Cytogenetic location: 3q13.33.
Variant type: single nucleotide variant.
Coding change: c.6361G>T on transcript NM_199420.4 (MANE Select); coding-DNA position 6361, G replaced by T.
Protein change: p.Ala2121Ser; replaces alanine 2121 with serine.
Molecular consequence: missense variant.
Genome position (GRCh38, 1-based): chr3:121,476,584, C>A on the plus strand (G>T on the coding strand, the complement: POLQ is on the minus strand). VCF-style: chr3-121476584-C-A. GRCh37 (hg19) VCF-style: chr3-121195431-C-A.
Other names: short protein forms A2121S.
Identifiers: ClinVar variation 2563883 (VCV002563883.2), dbSNP rs2546777111, ClinGen allele CA354086866.